The following is an entry in ClinVar:

NM_014319.5(LEMD3):c.2387+1G>A

Gene: LEMD3 (LEM domain containing 3; plus strand). Cytogenetic location: 12q14.3.
Variant type: single nucleotide variant.
Coding change: c.2387+1G>A on transcript NM_014319.5 (MANE Select); the canonical splice donor site of the intron after coding-DNA position 2387, G replaced by A.
Molecular consequence: splice donor variant.
Genome position (GRCh38, 1-based): chr12:65,243,470, G>A. VCF-style: chr12-65243470-G-A. GRCh37 (hg19) VCF-style: chr12-65637250-G-A.
Other names: c.2387+1G>A; c.2384+1G>A (NM_001167614.2).
Identifiers: ClinVar variation 3777022 (VCV003777022.1).
Genomic context (GRCh38, chr12:65,243,470, plus strand): 5'-TTCACCACCAAATAGTTTGACACCGTGTCTAAAGATTCGGAATATGTTTGATCCCGTTAT[G>A]TAAGTATTATGATCAGGGGTACATGTAACTCTTATTCTGAATATTTGGCTGGAAAATGCA-3'

ClinVar aggregate classification (germline): Pathogenic (1 of 4 stars; one submission).

Conditions:
Dermatofibrosis lenticularis disseminata (BOS). Also called: OSTEOPATHIA CONDENSANS DISSEMINATA; DERMATOFIBROSIS LENTICULARIS DISSEMINATA WITH OSTEOPOIKILOSIS; DERMATOOSTEOPOIKILOSIS. Identifiers: Orphanet 1306, MedGen C0265514, MONDO:0008157, OMIM 166700.

Submission:

Centro Nacional de Genética Medica, Administración Nacional de Laboratorios e Institutos de Salud (ANLIS) “Dr. Carlos G Malbrán”
Classification: Pathogenic for Dermatofibrosis lenticularis disseminata. Last evaluated: 2024-08-01. Review status: criteria provided, single submitter. Criteria: ACMG Guidelines, 2015. Collection method: research. Allele origin: germline. Affected: yes. Observed: 1 variant allele.
Comment: The c.2387+1G>A, variant found is located in intron 10 of the LEMD3 gene. LEMD3 is a gene classified as haploinsufficient and has low tolerance to loss-of-function variants. This variant results in no translation and, consequently, a lack of protein (PVS1). The variant found is not present, or is present at a frequency of less than 0.01%, in population databases such as GnomAD, ExAc, or 1000 Genomes (PM2_Supporting). The patient's phenotype is consistent with Buschke-Ollendorff Syndrome, and the LEMD3 gene is closely associated with the condition (PP4).